The following is an entry in ClinVar:

NM_021830.5(TWNK):c.670G>A (p.Ala224Thr)

Gene: TWNK (twinkle mtDNA helicase; plus strand). Cytogenetic location: 10q24.31.
Variant type: single nucleotide variant.
Coding change: c.670G>A on transcript NM_021830.5 (MANE Select); coding-DNA position 670, G replaced by A.
Protein change: p.Ala224Thr; replaces alanine 224 with threonine.
Molecular consequence: missense variant. On other transcripts: non-coding transcript variant (4), intron variant (3).
Genome position (GRCh38, 1-based): chr10:100,988,880, G>A. VCF-style: chr10-100988880-G-A. GRCh37 (hg19) VCF-style: chr10-102748637-G-A.
Other names: c.670G>A, p.Ala224Thr (NM_001163812.2); c.-119-764G>A (NM_001163814.2, NM_001163813.2); c.-57-826G>A (NM_001368275.1); short protein forms A224T.
Identifiers: ClinVar variation 1392158 (VCV001392158.6), dbSNP rs2133936641, ClinGen allele CA378208006.

ClinVar aggregate classification (germline): Uncertain significance (1 of 4 stars; one submission).

Allele frequency attached by ClinVar (database versions not stated): gnomAD exomes below 0.00001.
gnomAD v4.1: 1 of 1,614,188 alleles (0.000062%); highest among the groups gnomAD compares: Non-Finnish European, 0.000085%; no homozygotes.

Submission:

Labcorp Genetics (formerly Invitae), Labcorp
Classification: Uncertain significance. Last evaluated: 2022-10-24. Review status: criteria provided, single submitter. Criteria: Invitae Variant Classification Sherloc (09022015). Collection method: clinical testing. Allele origin: germline.
Comment: This sequence change replaces alanine, which is neutral and non-polar, with threonine, which is neutral and polar, at codon 224 of the TWNK protein (p.Ala224Thr). This variant is not present in population databases (gnomAD no frequency). This variant has not been reported in the literature in individuals affected with TWNK-related conditions. ClinVar contains an entry for this variant (Variation ID: 1392158). Algorithms developed to predict the effect of missense changes on protein structure and function (SIFT, PolyPhen-2, Align-GVGD) all suggest that this variant is likely to be tolerated. In summary, the available evidence is currently insufficient to determine the role of this variant in disease. Therefore, it has been classified as a Variant of Uncertain Significance.